The following is an entry in ClinVar:

ClinVar aggregate classification (germline): Pathogenic. Review status: criteria provided, multiple submitters, no conflicts (2 of 4 stars). 3 submissions from 3 submitters: Pathogenic (3). Last evaluated 2024-06-07.

Conditions:
Hepatoencephalopathy due to combined oxidative phosphorylation defect type 1. Also called: HEPATOENCEPHALOPATHY, EARLY FATAL PROGRESSIVE. Identifiers: Orphanet 137681, MedGen C1836797, MONDO:0012191, OMIM 609060.

Submissions (3):

Natera, Inc.
Classification: Pathogenic for Combined oxidative phosphorylation deficiency 1. Last evaluated: 2024-06-07. Review status: criteria provided, single submitter. Criteria: Natera Variant Classification Schema (03/2026). Collection method: clinical testing. Allele origin: germline.
Comment: The c.1404delA variant in GFM1 is a frameshift variant predicted to shift the reading frame beginning at codon 469 and leads to a stop codon 84 codons downstream. This variant is expected to result in nonsense mediated decay, truncation, or a dysfunctional protein product. This variant is rare in the general population with a frequency below the threshold expected for the associated phenotype(s). This variant has been observed in one or more individuals affected with the associated recessive disease, as either homozygous or compound heterozygous with a second variant (PMID: 31683770). Given the available evidence, this variant is classified as Pathogenic.

Labcorp Genetics (formerly Invitae), Labcorp
Classification: Pathogenic. Last evaluated: 2023-08-18. Review status: criteria provided, single submitter. Criteria: Invitae Variant Classification Sherloc (09022015). Collection method: clinical testing. Allele origin: germline.
Comment: This sequence change creates a premature translational stop signal (p.Gly469Valfs*84) in the GFM1 gene. It is expected to result in an absent or disrupted protein product. Loss-of-function variants in GFM1 are known to be pathogenic (PMID: 16632485, 17160893). This variant is present in population databases (rs779877297, gnomAD 0.004%). This premature translational stop signal has been observed in individual(s) with combined oxidative phosphorylation deficiency (PMID: 25852744, 31680380). In at least one individual the data is consistent with being in trans (on the opposite chromosome) from a pathogenic variant. ClinVar contains an entry for this variant (Variation ID: 812087). For these reasons, this variant has been classified as Pathogenic.

Laboratoire de Génétique Moléculaire Institut de Recherche Necker Enfants Malades, CHU Paris - Hôpital Necker-Enfants Malades
Classification: Pathogenic for Combined oxidative phosphorylation deficiency 1. Review status: criteria provided, single submitter. Criteria: ACMG Guidelines, 2015. Collection method: clinical testing. Allele origin: inherited. Affected: yes. Observed: 1 variant allele.

Literature cited by the submitters: PubMed 31683770 (cited by Natera, Inc.); PubMed 16632485 (cited by Labcorp Genetics (formerly Invitae), Labcorp); PubMed 17160893 (cited by Labcorp Genetics (formerly Invitae), Labcorp); PubMed 25852744 (cited by Labcorp Genetics (formerly Invitae), Labcorp); PubMed 31680380 (cited by Labcorp Genetics (formerly Invitae), Labcorp).

NM_024996.7(GFM1):c.1404del (p.Gly469fs)

Gene: GFM1 (G elongation factor mitochondrial 1; plus strand). Cytogenetic location: 3q25.32.
Variant type: Deletion.
Coding change: c.1404del on transcript NM_024996.7 (MANE Select); coding-DNA position 1404, one base deleted (A; older notation c.1404delA).
Protein change: p.Gly469fs; shifts the reading frame from glycine 469.
Molecular consequence: frameshift variant. On other transcripts: non-coding transcript variant (4).
Genome position (GRCh38, 1-based): chr3:158,665,360, A deleted; the last of 4 consecutive A bases (chr3:158,665,357-158,665,360); deleting any one gives the same sequence. VCF-style (leftmost placement, unchanged base first): chr3-158665356-CA-C. GRCh37 (hg19) VCF-style: chr3-158383145-CA-C.
Other names: c.1401delA (NM_024996.5); c.1404delA (NM_024996.5); c.1461del, p.Gly488fs (NM_001308164.2); c.1404del, p.Gly469fs (NM_001308166.2); c.1323del, p.Gly442fs (NM_001374355.1); c.1287del, p.Gly430fs (NM_001374356.1); c.1179del, p.Gly394fs (NM_001374357.1); c.945del, p.Gly316fs (NM_001374358.1); and 2 more; short protein forms G241fs, G280fs, G316fs, G394fs, G430fs, G442fs, G469fs, G488fs.
Identifiers: ClinVar variation 812087 (VCV000812087.11), dbSNP rs779877297, ClinGen allele CA2682650.